The following is an entry in ClinVar:

ClinVar aggregate classification (germline): Uncertain significance. Review status: criteria provided, multiple submitters, no conflicts (2 of 4 stars). 2 submissions from 2 submitters: Uncertain significance (2). Last evaluated 2025-01-07.

Conditions:
Hereditary spastic paraplegia 57. Also called: Spastic paraplegia 57, autosomal recessive. Identifiers: Orphanet 431329, MedGen C3714897, MONDO:0014295, OMIM 615658.
Hereditary motor and sensory neuropathy, Okinawa type (HMSNO). Also called: HEREDITARY MOTOR AND SENSORY NEUROPATHY, PROXIMAL TYPE. Identifiers: Orphanet 90117, MedGen C1858338, MONDO:0011468, OMIM 604484.
Inborn genetic diseases. Identifiers: MedGen C0950123, MeSH D030342.

Allele frequency attached by ClinVar (database versions not stated): gnomAD exomes below 0.00001.
gnomAD v4.1: 1 of 1,613,422 alleles (0.000062%); highest among the groups gnomAD compares: Non-Finnish European, 0.000085%; no homozygotes.

Submissions (2):

Ambry Genetics
Classification: Uncertain significance for Inborn genetic diseases. Last evaluated: 2025-01-07. Review status: criteria provided, single submitter. Criteria: Ambry Variant Classification Scheme 2023. Collection method: clinical testing. Allele origin: germline.

Labcorp Genetics (formerly Invitae), Labcorp
Classification: Uncertain significance for Hereditary motor and sensory neuropathy, Okinawa type; Hereditary spastic paraplegia 57. Last evaluated: 2021-07-31. Review status: criteria provided, single submitter. Criteria: Invitae Variant Classification Sherloc (09022015). Collection method: clinical testing. Allele origin: germline.
Comment: Algorithms developed to predict the effect of missense changes on protein structure and function do not agree on the potential impact of this missense change (SIFT: "Deleterious"; PolyPhen-2: "Possibly Damaging"; Align-GVGD: "Class C15"). This variant has not been reported in the literature in individuals with TFG-related disease. This variant is not present in population databases (ExAC no frequency). This sequence change replaces tyrosine with cysteine at codon 247 of the TFG protein (p.Tyr247Cys). The tyrosine residue is highly conserved and there is a large physicochemical difference between tyrosine and cysteine. In summary, the available evidence is currently insufficient to determine the role of this variant in disease. Therefore, it has been classified as a Variant of Uncertain Significance.

NM_006070.6(TFG):c.740A>G (p.Tyr247Cys)

Gene: TFG (trafficking from ER to golgi regulator; plus strand). Cytogenetic location: 3q12.2.
Variant type: single nucleotide variant.
Coding change: c.740A>G on transcript NM_006070.6 (MANE Select); coding-DNA position 740, A replaced by G.
Protein change: p.Tyr247Cys; replaces tyrosine 247 with cysteine.
Molecular consequence: missense variant.
Genome position (GRCh38, 1-based): chr3:100,744,851, A>G. VCF-style: chr3-100744851-A-G. GRCh37 (hg19) VCF-style: chr3-100463695-A-G.
Other names: c.740A>G, p.Tyr247Cys (NM_001007565.2, NM_001195478.2); c.728A>G, p.Tyr243Cys (NM_001195479.2); short protein forms Y247C, Y243C.
Identifiers: ClinVar variation 574710 (VCV000574710.9), dbSNP rs1559723912, ClinGen allele CA353849940.
Genomic context (GRCh38, chr3:100,744,851, plus strand): 5'-AACATGCCTTTTTTCCTTGTGTGTGTGTGTGTGTGTTTTCAGGTCAGATGTACCAACAGT[A>G]CCAGCAACAGGCCGGCTATGGTGCACAGCAGCCGCAGGCTCCACCTCAGCAGCCTCAACA-3'
Protein context (NP_006061.2, residues 237-257): GQIEGQMYQQ[Tyr247Cys]QQQAGYGAQQ